The following is an entry in ClinVar:

NM_020461.4(TUBGCP6):c.3367G>T (p.Asp1123Tyr)

Gene: TUBGCP6 (tubulin gamma complex component 6; minus strand). Cytogenetic location: 22q13.33.
Variant type: single nucleotide variant.
Coding change: c.3367G>T on transcript NM_020461.4 (MANE Select); coding-DNA position 3367, G replaced by T.
Protein change: p.Asp1123Tyr; replaces aspartic acid 1123 with tyrosine.
Molecular consequence: missense variant.
Genome position (GRCh38, 1-based): chr22:50,220,992, C>A on the plus strand (G>T on the coding strand, the complement: TUBGCP6 is on the minus strand). VCF-style: chr22-50220992-C-A. GRCh37 (hg19) VCF-style: chr22-50659421-C-A.
Other names: short protein forms D1123Y.
Identifiers: ClinVar variation 2093109 (VCV002093109.4), dbSNP rs538518652, ClinGen allele CA412183088.

ClinVar aggregate classification (germline): Uncertain significance (1 of 4 stars; one submission).

Submission:

Labcorp Genetics (formerly Invitae), Labcorp
Classification: Uncertain significance. Last evaluated: 2023-08-17. Review status: criteria provided, single submitter. Criteria: Invitae Variant Classification Sherloc (09022015). Collection method: clinical testing. Allele origin: germline.
Comment: This sequence change replaces aspartic acid, which is acidic and polar, with tyrosine, which is neutral and polar, at codon 1123 of the TUBGCP6 protein (p.Asp1123Tyr). This variant is not present in population databases (gnomAD no frequency). This variant has not been reported in the literature in individuals affected with TUBGCP6-related conditions. ClinVar contains an entry for this variant (Variation ID: 2093109). An algorithm developed to predict the effect of missense changes on protein structure and function (PolyPhen-2) suggests that this variant is likely to be disruptive. In summary, the available evidence is currently insufficient to determine the role of this variant in disease. Therefore, it has been classified as a Variant of Uncertain Significance.